The following is an entry in ClinVar:

NM_000551.4(VHL):c.116G>T (p.Gly39Val)

Gene: VHL (von Hippel-Lindau tumor suppressor; plus strand). Cytogenetic location: 3p25.3.
Variant type: single nucleotide variant.
Coding change: c.116G>T on transcript NM_000551.4 (MANE Select); coding-DNA position 116, G replaced by T.
Protein change: p.Gly39Val; replaces glycine 39 with valine.
Molecular consequence: missense variant.
Genome position (GRCh38, 1-based): chr3:10,141,963, G>T. VCF-style: chr3-10141963-G-T. GRCh37 (hg19) VCF-style: chr3-10183647-G-T.
Other names: c.116G>T, p.Gly39Val (NM_001354723.2, NM_198156.3); short protein forms G39V.
Identifiers: ClinVar variation 1437880 (VCV001437880.10), dbSNP rs368473853, ClinGen allele CA70042314.

ClinVar aggregate classification (germline): Uncertain significance. Review status: criteria provided, multiple submitters, no conflicts (2 of 4 stars). 5 submissions from 5 submitters: Uncertain significance (5). Last evaluated 2025-08-09.

Conditions:
Chuvash polycythemia. Also called: POLYCYTHEMIA, VHL-DEPENDENT. Identifiers: Orphanet 238557, MedGen C1837915, MONDO:0009892, OMIM 263400.
Von Hippel-Lindau syndrome (VHLS). Also called: von Hippel–Lindau syndrome; Von Hippel-Lindau; VHL syndrome. Identifiers: Orphanet 892, MedGen C0019562, MONDO:0008667, OMIM 193300. Disease mechanism: loss of function.
Hereditary cancer-predisposing syndrome. Also called: Neoplastic Syndromes, Hereditary; Hereditary Cancer Syndrome; Tumor predisposition; Hereditary neoplastic syndrome. Identifiers: Orphanet 140162, MedGen C0027672, MeSH D009386, MONDO:0015356.
Pheochromocytoma. Also called: MAX-Related Hereditary Paraganglioma-Pheochromocytoma Syndrome. Identifiers: Orphanet 29072, MedGen C0031511, MONDO:0008233, OMIM 171300, HP:0002666.
Nonpapillary renal cell carcinoma. Identifiers: Orphanet 422526, MedGen CN074294, MONDO:0007763, OMIM 144700.

Allele frequency attached by ClinVar (database versions not stated): gnomAD exomes below 0.00001; ESP Exome Variant Server 0.00008.
gnomAD v4.1: 2 of 1,552,670 alleles (0.00013%); highest among the groups gnomAD compares: Non-Finnish European, 0.00017%; no homozygotes.

Submissions (5):

Color Diagnostics, LLC DBA Color Health
Classification: Uncertain significance for Von Hippel-Lindau syndrome. Last evaluated: 2025-08-09. Review status: criteria provided, single submitter. Criteria: ACMG Guidelines, 2015. Collection method: clinical testing. Allele origin: germline.
Comment: This missense variant replaces glycine with valine at codon 39 of the VHL protein. Computational prediction suggests that this variant may not impact protein structure and function. A functional study has reported that this variant does not impact VHL function in a haploid cell proliferation assay (PMID: 38969834). This variant has not been reported in individuals affected with VHL-related disorders in the literature. This variant has not been identified in the general population by the Genome Aggregation Database (gnomAD). The available evidence is insufficient to determine the role of this variant in disease conclusively. Therefore, this variant is classified as a Variant of Uncertain Significance.

Ambry Genetics
Classification: Uncertain significance for Hereditary cancer-predisposing syndrome. Last evaluated: 2023-02-03. Review status: criteria provided, single submitter. Criteria: Ambry Variant Classification Scheme 2023. Collection method: clinical testing. Allele origin: germline.
Comment: The p.G39V variant (also known as c.116G>T), located in coding exon 1 of the VHL gene, results from a G to T substitution at nucleotide position 116. The glycine at codon 39 is replaced by valine, an amino acid with dissimilar properties. This amino acid position is not well conserved in available vertebrate species. In addition, this alteration is predicted to be tolerated by in silico analysis. Since supporting evidence is limited at this time, the clinical significance of this alteration remains unclear.

GeneDx
Classification: Uncertain significance. Last evaluated: 2022-05-20. Review status: criteria provided, single submitter. Criteria: GeneDx Variant Classification Process June 2021. Collection method: clinical testing. Allele origin: germline. Affected: yes.
Comment: Not observed at significant frequency in large population cohorts (gnomAD); In silico analysis supports that this missense variant does not alter protein structure/function; Has not been previously published as pathogenic or benign to our knowledge

Labcorp Genetics (formerly Invitae), Labcorp
Classification: Uncertain significance for Von Hippel-Lindau syndrome; Chuvash polycythemia. Last evaluated: 2022-05-17. Review status: criteria provided, single submitter. Criteria: Invitae Variant Classification Sherloc (09022015). Collection method: clinical testing. Allele origin: germline.
Comment: In summary, the available evidence is currently insufficient to determine the role of this variant in disease. Therefore, it has been classified as a Variant of Uncertain Significance. Advanced modeling of protein sequence and biophysical properties (such as structural, functional, and spatial information, amino acid conservation, physicochemical variation, residue mobility, and thermodynamic stability) performed at Invitae indicates that this missense variant is not expected to disrupt VHL protein function. This variant has not been reported in the literature in individuals affected with VHL-related conditions. This variant is not present in population databases (gnomAD no frequency). This sequence change replaces glycine, which is neutral and non-polar, with valine, which is neutral and non-polar, at codon 39 of the VHL protein (p.Gly39Val).

Fulgent Genetics
Classification: Uncertain significance for Nonpapillary renal cell carcinoma; Pheochromocytoma; Von Hippel-Lindau syndrome; Chuvash polycythemia. Last evaluated: 2022-03-04. Review status: criteria provided, single submitter. Criteria: ACMG Guidelines, 2015. Collection method: clinical testing. Allele origin: unknown.

Literature cited by the submitters: PubMed 38969834 (cited by Color Diagnostics, LLC DBA Color Health).